The following is an entry in ClinVar:

ClinVar aggregate classification (germline): Uncertain significance (1 of 4 stars; one submission).

Submission:

Ambry Genetics
Classification: Uncertain significance. Last evaluated: 2025-02-15. Review status: criteria provided, single submitter. Criteria: Ambry Variant Classification Scheme 2023. Collection method: clinical testing. Allele origin: germline.
Comment: The p.S233N variant (also known as c.698G>A), located in coding exon 5 of the GEN1 gene, results from a G to A substitution at nucleotide position 698. The serine at codon 233 is replaced by asparagine, an amino acid with highly similar properties. This amino acid position is conserved. In addition, this alteration is predicted to be tolerated by in silico analysis. Based on the available evidence, the clinical significance of this variant remains unclear.

NM_001130009.3(GEN1):c.698G>A (p.Ser233Asn)

Gene: GEN1 (GEN1 Holliday junction 5' flap endonuclease; plus strand). Cytogenetic location: 2p24.2.
Variant type: single nucleotide variant.
Coding change: c.698G>A on transcript NM_001130009.3 (MANE Select); coding-DNA position 698, G replaced by A.
Protein change: p.Ser233Asn; replaces serine 233 with asparagine.
Molecular consequence: missense variant.
Genome position (GRCh38, 1-based): chr2:17,768,799, G>A. VCF-style: chr2-17768799-G-A. GRCh37 (hg19) VCF-style: chr2-17950066-G-A.
Other names: c.698G>A, p.Ser233Asn (NM_182625.5); short protein forms S233N.
Identifiers: ClinVar variation 3853574 (VCV003853574.1).